The following is an entry in ClinVar:

NM_016284.5(CNOT1):c.4681G>A (p.Val1561Ile)

Gene: CNOT1 (CCR4-NOT transcription complex subunit 1; minus strand). Cytogenetic location: 16q21.
Variant type: single nucleotide variant.
Coding change: c.4681G>A on transcript NM_016284.5 (MANE Select); coding-DNA position 4681, G replaced by A.
Protein change: p.Val1561Ile; replaces valine 1561 with isoleucine.
Molecular consequence: missense variant. On other transcripts: non-coding transcript variant (1).
Genome position (GRCh38, 1-based): chr16:58,541,620, C>T on the plus strand (G>A on the coding strand, the complement: CNOT1 is on the minus strand). VCF-style: chr16-58541620-C-T. GRCh37 (hg19) VCF-style: chr16-58575524-C-T.
Other names: c.4666G>A, p.Val1556Ile (NM_001265612.2); short protein forms V1556I, V1561I.
Identifiers: ClinVar variation 4885931 (VCV004885931.2).

ClinVar aggregate classification (germline): Uncertain significance (1 of 4 stars; one submission).

Submission:

Dasa
Classification: Uncertain significance. Last evaluated: 2026-02-13. Review status: criteria provided, single submitter. Criteria: DASA Assertion Criteria. Collection method: clinical testing. Allele origin: germline.
Comment: NM_016284.5(CNOT1):c.4681G>A (p.Val1561Ile) is a missense variant that results in the substitution of valine with isoleucine. This variant is rare in population databases. Computational prediction algorithms are consistent with a deleterious effect. The currently available literature and clinical evidence are not sufficient to establish a definitive association between this variant and the reported condition. Therefore, this variant is classified as a variant of uncertain significance.